The following is an entry in ClinVar:

ClinVar aggregate classification (germline): Pathogenic. Review status: criteria provided, multiple submitters, no conflicts (2 of 4 stars). 2 submissions from 2 submitters: Pathogenic (2). Last evaluated 2024-11-26.

Conditions:
Hereditary cancer-predisposing syndrome. Also called: Hereditary Cancer Syndrome; Hereditary neoplastic syndrome; Tumor predisposition; Neoplastic Syndromes, Hereditary. Identifiers: Orphanet 140162, MedGen C0027672, MeSH D009386, MONDO:0015356.
Cardiovascular phenotype. Identifiers: MedGen CN230736.

Submissions (2):

Ambry Genetics
Classification: Pathogenic for Cardiovascular phenotype; Hereditary cancer-predisposing syndrome. Last evaluated: 2024-11-26. Review status: criteria provided, single submitter. Criteria: Ambry Variant Classification Scheme 2023. Collection method: clinical testing. Allele origin: germline.
Comment: The c.210_211delGC pathogenic mutation, located in coding exon 2 of the LZTR1 gene, results from a deletion of two nucleotides at nucleotide positions 210 to 211, causing a translational frameshift with a predicted alternate stop codon (p.T72Sfs*5). This variant is considered to be rare based on population cohorts in the Genome Aggregation Database (gnomAD). This alteration is expected to result in loss of function by premature protein truncation or nonsense-mediated mRNA decay. Loss-of-function variants in LZTR1 are related to an increased risk for schwannomas and autosomal recessive Noonan syndrome; however, such associations with autosomal dominant Noonan syndrome have not been observed (Piotrowski A et al. Nat Genet. 2014 Feb;46:182-7; Yamamoto GL et al. J Med Genet. 2015 Jun;52:413-21; Johnston JJ et al. Genet Med. 2018 10;20:1175-1185). Based on the supporting evidence, this variant is pathogenic for an increased risk of LZTR1-related schwannomatosis (SWN) and would be expected to cause autosomal recessive Noonan syndrome when present along with a second pathogenic or likely pathogenic variant on the other allele; however, the association of this alteration with autosomal dominant Noonan syndrome is unlikely.

Labcorp Genetics (formerly Invitae), Labcorp
Classification: Pathogenic. Last evaluated: 2024-10-29. Review status: criteria provided, single submitter. Criteria: Invitae Variant Classification Sherloc (09022015). Collection method: clinical testing. Allele origin: germline.
Comment: This sequence change creates a premature translational stop signal (p.Thr72Serfs*5) in the LZTR1 gene. It is expected to result in an absent or disrupted protein product. Loss-of-function variants in LZTR1 are known to be pathogenic (PMID: 24362817, 25335493, 25480913, 25795793, 29469822, 30368668, 30442762, 30442766, 30481304, 30859559). This variant is not present in population databases (gnomAD no frequency). This variant has not been reported in the literature in individuals affected with LZTR1-related conditions. For these reasons, this variant has been classified as Pathogenic.

Literature cited by the submitters: PubMed 24362817 (cited by Labcorp Genetics (formerly Invitae), Labcorp); PubMed 25335493 (cited by Labcorp Genetics (formerly Invitae), Labcorp); PubMed 25480913 (cited by Labcorp Genetics (formerly Invitae), Labcorp); PubMed 25795793 (cited by Labcorp Genetics (formerly Invitae), Labcorp); PubMed 29469822 (cited by Labcorp Genetics (formerly Invitae), Labcorp); PubMed 30368668 (cited by Labcorp Genetics (formerly Invitae), Labcorp); PubMed 30442762 (cited by Labcorp Genetics (formerly Invitae), Labcorp); PubMed 30442766 (cited by Labcorp Genetics (formerly Invitae), Labcorp); PubMed 30481304 (cited by Labcorp Genetics (formerly Invitae), Labcorp); PubMed 30859559 (cited by Labcorp Genetics (formerly Invitae), Labcorp).

NM_006767.4(LZTR1):c.210_211del (p.Thr72fs)

Gene: LZTR1 (leucine zipper like post translational regulator 1; plus strand). Cytogenetic location: 22q11.21.
Variant type: Deletion.
Coding change: c.210_211del on transcript NM_006767.4 (MANE Select); coding-DNA positions 210 to 211, 2 bases deleted (GC; older notation c.210_211delGC).
Protein change: p.Thr72fs; shifts the reading frame from threonine 72.
Molecular consequence: frameshift variant.
Genome position (GRCh38, 1-based): chr22:20,983,036-20,983,037, GC deleted. VCF-style (leftmost placement, unchanged base first): chr22-20983035-AGC-A. GRCh37 (hg19) VCF-style: chr22-21337324-AGC-A.
Other names: short protein forms T72fs.
Identifiers: ClinVar variation 3541722 (VCV003541722.3).